The following is an entry in ClinVar:

ClinVar aggregate classification (germline): Uncertain significance (1 of 4 stars; one submission).

Allele frequency attached by ClinVar (database versions not stated): TOPMed 0.00002; gnomAD 0.00003.
gnomAD v4.1: 4 of 1,613,828 alleles (0.00025%); highest among the groups gnomAD compares: African/African-American, 0.0053%; no homozygotes.

Submission:

Labcorp Genetics (formerly Invitae), Labcorp
Classification: Uncertain significance. Last evaluated: 2024-07-08. Review status: criteria provided, single submitter. Criteria: Invitae Variant Classification Sherloc (09022015). Collection method: clinical testing. Allele origin: germline.
Comment: This sequence change replaces serine, which is neutral and polar, with threonine, which is neutral and polar, at codon 107 of the RPL18 protein (p.Ser107Thr). This variant is present in population databases (rs762595008, gnomAD 0.007%). This variant has not been reported in the literature in individuals affected with RPL18-related conditions. Algorithms developed to predict the effect of missense changes on protein structure and function output the following: SIFT: "Not Available"; PolyPhen-2: "Benign"; Align-GVGD: "Not Available". The threonine amino acid residue is found in multiple mammalian species, which suggests that this missense change does not adversely affect protein function. In summary, the available evidence is currently insufficient to determine the role of this variant in disease. Therefore, it has been classified as a Variant of Uncertain Significance.

NM_000979.4(RPL18):c.320G>C (p.Ser107Thr)

Gene: RPL18 (ribosomal protein L18; minus strand). Cytogenetic location: 19q13.33.
Variant type: single nucleotide variant.
Coding change: c.320G>C on transcript NM_000979.4 (MANE Select); coding-DNA position 320, G replaced by C.
Protein change: p.Ser107Thr; replaces serine 107 with threonine.
Molecular consequence: missense variant. On other transcripts: non-coding transcript variant (1).
Genome position (GRCh38, 1-based): chr19:48,616,180, C>G on the plus strand (G>C on the coding strand, the complement: RPL18 is on the minus strand). VCF-style: chr19-48616180-C-G. GRCh37 (hg19) VCF-style: chr19-49119437-C-G.
Other names: c.233G>C, p.Ser78Thr (NM_001270490.2); short protein forms S107T, S78T.
Identifiers: ClinVar variation 2870782 (VCV002870782.3), dbSNP rs762595008, ClinGen allele CA9554052.
Genomic context (GRCh38, chr19:48,616,180, plus strand): 5'-GCCAGCTGGTCGAAAGTGAGGATCTTGCCCCCTGCCCTGAGGATGCGGCTGCGGGCCCGG[C>G]TGGTCACGCGCAGTGCACATACCTGGTGGAGAGGACAAGGCTGGCGGGTCAGACCCCTGC-3'
Protein context (NP_000970.1, residues 97-117): KLKVCALRVT[Ser107Thr]RARSRILRAG